The following is an entry in ClinVar:

ClinVar aggregate classification (germline): Uncertain significance (1 of 4 stars; one submission).

Conditions:
Propionic acidemia (PROP). Also called: HYPERGLYCINEMIA WITH KETOACIDOSIS AND LEUKOPENIA; KETOTIC HYPERGLYCINEMIA; GLYCINEMIA, KETOTIC. Identifiers: Orphanet 35, MedGen C0268579, MONDO:0011628, OMIM 606054, HP:0003571.

gnomAD v4.1: 1 of 1,614,198 alleles (0.000062%); highest among the groups gnomAD compares: Non-Finnish European, 0.000085%; no homozygotes.

Submission:

Labcorp Genetics (formerly Invitae), Labcorp
Classification: Uncertain significance for Propionic acidemia. Last evaluated: 2022-07-19. Review status: criteria provided, single submitter. Criteria: Invitae Variant Classification Sherloc (09022015). Collection method: clinical testing. Allele origin: germline.
Comment: This sequence change replaces valine, which is neutral and non-polar, with isoleucine, which is neutral and non-polar, at codon 661 of the PCCA protein (p.Val661Ile). This variant is present in population databases (no rsID available, gnomAD 0.0009%). This variant has not been reported in the literature in individuals affected with PCCA-related conditions. Advanced modeling of protein sequence and biophysical properties (such as structural, functional, and spatial information, amino acid conservation, physicochemical variation, residue mobility, and thermodynamic stability) performed at Invitae indicates that this missense variant is not expected to disrupt PCCA protein function. In summary, the available evidence is currently insufficient to determine the role of this variant in disease. Therefore, it has been classified as a Variant of Uncertain Significance.

NM_000282.4(PCCA):c.1981G>A (p.Val661Ile)

Gene: PCCA (propionyl-CoA carboxylase subunit alpha; plus strand). Cytogenetic location: 13q32.3.
Variant type: single nucleotide variant.
Coding change: c.1981G>A on transcript NM_000282.4 (MANE Select); coding-DNA position 1981, G replaced by A.
Protein change: p.Val661Ile; replaces valine 661 with isoleucine.
Molecular consequence: missense variant. On other transcripts: non-coding transcript variant (4), intron variant (2).
Genome position (GRCh38, 1-based): chr13:100,515,508, G>A. VCF-style: chr13-100515508-G-A. GRCh37 (hg19) VCF-style: chr13-101167762-G-A.
Other names: c.1903G>A, p.Val635Ile (NM_001127692.3); c.1927G>A, p.Val643Ile (NM_001352605.2); c.1837G>A, p.Val613Ile (NM_001352606.2); c.1759G>A, p.Val587Ile (NM_001352608.2); c.1036G>A, p.Val346Ile (NM_001352610.2); c.982G>A, p.Val328Ile (NM_001352611.2); c.892G>A, p.Val298Ile (NM_001352612.2); c.1900-12167G>A (NM_001178004.2); and 1 more; short protein forms V328I, V346I, V643I, V661I, V587I, V298I, V613I, V635I.
Identifiers: ClinVar variation 2140746 (VCV002140746.1), dbSNP rs1162403938, ClinGen allele CA388640331.